The following is an entry in ClinVar:

NC_000005.9:g.(?_39306699)_(39311499_?)del

Gene: C9 (complement C9; minus strand). Cytogenetic location: 5p13.1.
Variant type: Deletion.
Identifiers: ClinVar variation 2424224 (VCV002424224.2).

ClinVar aggregate classification (germline): Uncertain significance (1 of 4 stars; one submission).

Submission:

Labcorp Genetics (formerly Invitae), Labcorp
Classification: Uncertain significance. Last evaluated: 2022-04-01. Review status: criteria provided, single submitter. Criteria: Invitae Variant Classification Sherloc (09022015). Collection method: clinical testing. Allele origin: germline.
Comment: This variant is a gross deletion of the genomic region encompassing exon(s) 7-9 of the C9 gene. This variant would be expected to be in-frame, preserving the integrity of the reading frame. This variant has not been reported in the literature in individuals affected with C9-related conditions. In summary, the available evidence is currently insufficient to determine the role of this variant in disease. Therefore, it has been classified as a Variant of Uncertain Significance. Experimental studies and prediction algorithms are not available or were not evaluated, and the functional significance of this variant is currently unknown.